The following is an entry in ClinVar:

ClinVar aggregate classification (germline): Uncertain significance (1 of 4 stars; one submission).

Conditions:
Familial hemophagocytic lymphohistiocytosis 5. Also called: STXBP2-Related Familial Hemophagocytic Lymphohistiocytosis (STXBP2-fHLH). Identifiers: Orphanet 540, MedGen C2751293, MONDO:0013135, OMIM 613101.

Allele frequency attached by ClinVar (database versions not stated): TOPMed 0.00001.

Submission:

Labcorp Genetics (formerly Invitae), Labcorp
Classification: Uncertain significance for Familial hemophagocytic lymphohistiocytosis 5. Last evaluated: 2022-08-16. Review status: criteria provided, single submitter. Criteria: Invitae Variant Classification Sherloc (09022015). Collection method: clinical testing. Allele origin: germline.
Comment: Algorithms developed to predict the effect of missense changes on protein structure and function are either unavailable or do not agree on the potential impact of this missense change (SIFT: "Deleterious"; PolyPhen-2: "Possibly Damaging"; Align-GVGD: "Class C0"). This variant has not been reported in the literature in individuals affected with STXBP2-related conditions. This variant is not present in population databases (gnomAD no frequency). This sequence change replaces threonine, which is neutral and polar, with isoleucine, which is neutral and non-polar, at codon 554 of the STXBP2 protein (p.Thr554Ile). In summary, the available evidence is currently insufficient to determine the role of this variant in disease. Therefore, it has been classified as a Variant of Uncertain Significance.

NM_006949.4(STXBP2):c.1661C>T (p.Thr554Ile)

Gene: STXBP2 (syntaxin binding protein 2; plus strand). Cytogenetic location: 19p13.2.
Variant type: single nucleotide variant.
Coding change: c.1661C>T on transcript NM_006949.4 (MANE Select); coding-DNA position 1661, C replaced by T.
Protein change: p.Thr554Ile; replaces threonine 554 with isoleucine.
Molecular consequence: missense variant. On other transcripts: non-coding transcript variant (1).
Genome position (GRCh38, 1-based): chr19:7,647,476, C>T. VCF-style: chr19-7647476-C-T. GRCh37 (hg19) VCF-style: chr19-7712362-C-T.
Other names: c.1652C>T, p.Thr551Ile (NM_001127396.3); c.1694C>T, p.Thr565Ile (NM_001272034.2); c.1565C>T, p.Thr522Ile (NM_001414484.1); short protein forms T565I, T522I, T551I, T554I.
Identifiers: ClinVar variation 2102411 (VCV002102411.4), dbSNP rs958079601, ClinGen allele CA304912754.